The following is an entry in ClinVar:

ClinVar aggregate classification (germline): Uncertain significance (1 of 4 stars; one submission).

Allele frequency attached by ClinVar (database versions not stated): TOPMed below 0.00001.

Submission:

Labcorp Genetics (formerly Invitae), Labcorp
Classification: Uncertain significance. Last evaluated: 2022-02-12. Review status: criteria provided, single submitter. Criteria: Invitae Variant Classification Sherloc (09022015). Collection method: clinical testing. Allele origin: germline.
Comment: This sequence change replaces serine, which is neutral and polar, with phenylalanine, which is neutral and non-polar, at codon 1721 of the CDH23 protein (p.Ser1721Phe). This variant is not present in population databases (gnomAD no frequency). This variant has not been reported in the literature in individuals affected with CDH23-related conditions. Algorithms developed to predict the effect of missense changes on protein structure and function are either unavailable or do not agree on the potential impact of this missense change (SIFT: "Deleterious"; PolyPhen-2: "Not Available"; Align-GVGD: "Class C65"). In summary, the available evidence is currently insufficient to determine the role of this variant in disease. Therefore, it has been classified as a Variant of Uncertain Significance.

NM_022124.6(CDH23):c.5162C>T (p.Ser1721Phe)

Gene: CDH23 (cadherin related 23; plus strand). Cytogenetic location: 10q22.1.
Variant type: single nucleotide variant.
Coding change: c.5162C>T on transcript NM_022124.6 (MANE Select); coding-DNA position 5162, C replaced by T.
Protein change: p.Ser1721Phe; replaces serine 1721 with phenylalanine.
Molecular consequence: missense variant.
Genome position (GRCh38, 1-based): chr10:71,778,283, C>T. VCF-style: chr10-71778283-C-T. GRCh37 (hg19) VCF-style: chr10-73538040-C-T.
Other names: short protein forms S1721F.
Identifiers: ClinVar variation 1395831 (VCV001395831.3), dbSNP rs1840864794, ClinGen allele CA377141311.
Genomic context (GRCh38, chr10:71,778,283, plus strand): 5'-AGATCAGCCACGGCCGCTACACCCTGATCGTCACTGCCACAGACCAGTGCCCCATCTTAT[C>T]CCACCGCCTCACCTCTACCACCACGGTGGGTGCATGGGACACAGCCCCAACTTGGGCTTG-3'
Protein context (NP_071407.4, residues 1711-1731): VTATDQCPIL[Ser1721Phe]HRLTSTTTVL